The following is an entry in ClinVar:

NM_002451.4(MTAP):c.653C>T (p.Ala218Val)

Gene: MTAP (methylthioadenosine phosphorylase; plus strand). Cytogenetic location: 9p21.3.
Variant type: single nucleotide variant.
Coding change: c.653C>T on transcript NM_002451.4 (MANE Select); coding-DNA position 653, C replaced by T.
Protein change: p.Ala218Val; replaces alanine 218 with valine.
Molecular consequence: missense variant.
Genome position (GRCh38, 1-based): chr9:21,854,833, C>T. VCF-style: chr9-21854833-C-T. GRCh37 (hg19) VCF-style: chr9-21854832-C-T.
Other names: NC_000009.11:g.21854832C>T; short protein forms A218V.
Identifiers: ClinVar variation 366247 (VCV000366247.6), dbSNP rs143080527, ClinGen allele CA5011930.

ClinVar aggregate classification (germline): Benign (1 of 4 stars; one submission).

Conditions:
Diaphyseal medullary stenosis-bone malignancy syndrome. Also called: BONE DYSPLASIA WITH MALIGNANT FIBROUS HISTIOCYTOMA; BONE DYSPLASIA WITH MEDULLARY FIBROSARCOMA; MYOPATHY, LIMB-GIRDLE, WITH BONE FRAGILITY. Identifiers: Orphanet 85182, MedGen C1862177, MONDO:0007205, OMIM 112250.

Allele frequency attached by ClinVar (database versions not stated): ExAC 0.00016; gnomAD 0.00030 and 0.00031; gnomAD exomes 0.00013; TOPMed 0.00032; ESP Exome Variant Server 0.00015; 1000 Genomes Project 30x 0.00141; 1000 Genomes Project 0.00160.
gnomAD v4.1: 129 of 1,614,026 alleles (0.008%); highest among the groups gnomAD compares: African/African-American, 0.087%; 1 homozygote.

Submissions (3):

Illumina Laboratory Services, Illumina
Classification: Benign for Diaphyseal medullary stenosis-bone malignancy syndrome. Last evaluated: 2018-01-13. Review status: criteria provided, single submitter. Criteria: ICSL Variant Classification Criteria 13 December 2019. Collection method: clinical testing. Allele origin: germline.
Comment: This variant was observed in the ICSL laboratory as part of a predisposition screen in an ostensibly healthy population. It had not been previously curated by ICSL or reported in the Human Gene Mutation Database (HGMD: prior to June 1st, 2018), and was therefore a candidate for classification through an automated scoring system. Utilizing variant allele frequency, disease prevalence and penetrance estimates, and inheritance mode, an automated score was calculated to assess if this variant is too frequent to cause the disease. Based on the score and internal cut-off values, a variant classified as benign is not then subjected to further curation. The score for this variant resulted in a classification of benign for this disease.

Dr. Peter K. Rogan Lab, Western University
No classification provided (evidence only). Condition: Lung cancer. Review status: no classification provided. Collection method: in vitro. Allele origin: not applicable. Functional consequence: retained intron. Not counted in ClinVar's aggregate classification.

Dr. Peter K. Rogan Lab, Western University
No classification provided (evidence only). Condition: Familial prostate cancer. Review status: no classification provided. Collection method: in vitro. Allele origin: not applicable. Functional consequence: skipped exon. Not counted in ClinVar's aggregate classification.